The following is an entry in ClinVar:

ClinVar aggregate classification (germline): Uncertain significance (1 of 4 stars; one submission).

Conditions:
Kabuki syndrome. Also called: Kabuki make-up syndrome; NIIKAWA-KUROKI SYNDROME. Identifiers: Orphanet 2322, MedGen C0796004, MONDO:0016512.

Submission:

Labcorp Genetics (formerly Invitae), Labcorp
Classification: Uncertain significance for Kabuki syndrome. Last evaluated: 2024-02-23. Review status: criteria provided, single submitter. Criteria: Invitae Variant Classification Sherloc (09022015). Collection method: clinical testing. Allele origin: germline.
Comment: This sequence change replaces leucine, which is neutral and non-polar, with valine, which is neutral and non-polar, at codon 1921 of the KMT2D protein (p.Leu1921Val). This variant is not present in population databases (gnomAD no frequency). This variant has not been reported in the literature in individuals affected with KMT2D-related conditions. Advanced modeling of protein sequence and biophysical properties (such as structural, functional, and spatial information, amino acid conservation, physicochemical variation, residue mobility, and thermodynamic stability) has been performed at Invitae for this missense variant, however the output from this modeling did not meet the statistical confidence thresholds required to predict the impact of this variant on KMT2D protein function. In summary, the available evidence is currently insufficient to determine the role of this variant in disease. Therefore, it has been classified as a Variant of Uncertain Significance.

NM_003482.4(KMT2D):c.5761C>G (p.Leu1921Val)

Gene: KMT2D (lysine methyltransferase 2D; minus strand). Cytogenetic location: 12q13.12.
Variant type: single nucleotide variant.
Coding change: c.5761C>G on transcript NM_003482.4 (MANE Select); coding-DNA position 5761, C replaced by G.
Protein change: p.Leu1921Val; replaces leucine 1921 with valine.
Molecular consequence: missense variant.
Genome position (GRCh38, 1-based): chr12:49,042,762, G>C on the plus strand (C>G on the coding strand, the complement: KMT2D is on the minus strand). VCF-style: chr12-49042762-G-C. GRCh37 (hg19) VCF-style: chr12-49436545-G-C.
Other names: short protein forms L1921V.
Identifiers: ClinVar variation 3627925 (VCV003627925.2).
Genomic context (GRCh38, chr12:49,042,762, plus strand): 5'-TGGTTATGTCAGTCTTCAGACCACTCCCACCTGTATTACCTTGAAGAAAGGGCCTCTGCA[G>C]TGGCGTACGGCTGCCTTCTAGGCCAGGGGTTCCACAACCCAGATGCTGTTCTCGTTCAGA-3'
Protein context (NP_003473.3, residues 1911-1931): TPGLEGSRTP[Leu1921Val]QRPFLQGGLP